The following is an entry in ClinVar:

NM_000548.5(TSC2):c.3179G>C (p.Trp1060Ser)

Gene: TSC2 (TSC complex subunit 2; plus strand). Cytogenetic location: 16p13.3.
Variant type: single nucleotide variant.
Coding change: c.3179G>C on transcript NM_000548.5 (MANE Select); coding-DNA position 3179, G replaced by C.
Protein change: p.Trp1060Ser; replaces tryptophan 1060 with serine.
Molecular consequence: missense variant.
Genome position (GRCh38, 1-based): chr16:2,079,323, G>C. VCF-style: chr16-2079323-G-C. GRCh37 (hg19) VCF-style: chr16-2129324-G-C.
Other names: c.3047G>C, p.Trp1016Ser (NM_001077183.3, NM_001370404.1); c.3179G>C, p.Trp1060Ser (NM_001114382.3); c.2939G>C, p.Trp980Ser (NM_001318827.2); c.2903G>C, p.Trp968Ser (NM_001318829.2); c.2447G>C, p.Trp816Ser (NM_001318831.2); c.3080G>C, p.Trp1027Ser (NM_001318832.2); c.3050G>C, p.Trp1017Ser (NM_001363528.2, NM_001370405.1, NM_021055.3); short protein forms W1017S, W816S, W1060S, W968S, W980S, W1016S, W1027S.
Identifiers: ClinVar variation 1042872 (VCV001042872.8), dbSNP rs2089827541, ClinGen allele CA394285526.

ClinVar aggregate classification (germline): Pathogenic (1 of 4 stars; one submission).

Conditions:
Tuberous sclerosis 2 (TSC2). Identifiers: Orphanet 805, MedGen C1860707, MONDO:0013199, OMIM 613254.

Submission:

Labcorp Genetics (formerly Invitae), Labcorp
Classification: Pathogenic for Tuberous sclerosis 2. Last evaluated: 2024-08-30. Review status: criteria provided, single submitter. Criteria: Invitae Variant Classification Sherloc (09022015). Collection method: clinical testing. Allele origin: germline.
Comment: This sequence change replaces tryptophan, which is neutral and slightly polar, with serine, which is neutral and polar, at codon 1060 of the TSC2 protein (p.Trp1060Ser). This variant is not present in population databases (gnomAD no frequency). This missense change has been observed in individual(s) with tuberous sclerosis complex (PMID: 32313033). In at least one individual the variant was observed to be de novo. ClinVar contains an entry for this variant (Variation ID: 1042872). Invitae Evidence Modeling of protein sequence and biophysical properties (such as structural, functional, and spatial information, amino acid conservation, physicochemical variation, residue mobility, and thermodynamic stability) indicates that this missense variant is expected to disrupt TSC2 protein function with a positive predictive value of 95%. For these reasons, this variant has been classified as Pathogenic.

Literature cited by the submitters: PubMed 32313033.